The following is an entry in ClinVar:

NM_004415.4(DSP):c.5363A>C (p.Gln1788Pro)

Gene: DSP (desmoplakin; plus strand). Cytogenetic location: 6p24.3.
Variant type: single nucleotide variant.
Coding change: c.5363A>C on transcript NM_004415.4 (MANE Select); coding-DNA position 5363, A replaced by C.
Protein change: p.Gln1788Pro; replaces glutamine 1788 with proline.
Molecular consequence: missense variant. On other transcripts: intron variant (2).
Genome position (GRCh38, 1-based): chr6:7,581,553, A>C. VCF-style: chr6-7581553-A-C. GRCh37 (hg19) VCF-style: chr6-7581786-A-C.
Other names: c.4051-1089A>C (NM_001319034.2); c.3583-1089A>C (NM_001008844.3); short protein forms Q1788P.
Identifiers: ClinVar variation 1497816 (VCV001497816.6), dbSNP rs139673146, ClinGen allele CA362688441.

ClinVar aggregate classification (germline): Uncertain significance (1 of 4 stars; one submission).

Conditions:
Arrhythmogenic cardiomyopathy with wooly hair and keratoderma. Also called: PALMOPLANTAR KERATODERMA WITH LEFT VENTRICULAR CARDIOMYOPATHY AND WOOLLY HAIR; Carvajal syndrome; Dilated cardiomyopathy with woolly hair and keratoderma; Arrhythmogenic cardiomyopathy with woolly hair and keratoderma. Identifiers: Orphanet 65282, MedGen C1854063, MONDO:0011581, OMIM 605676.
Arrhythmogenic right ventricular dysplasia 8 (ARVD8). Also called: Arrhythmogenic Right Ventricular Dysplasia/Cardiomyopathy 8; ARRHYTHMOGENIC RIGHT VENTRICULAR DYSPLASIA, FAMILIAL, 8; ARRHYTHMOGENIC RIGHT VENTRICULAR CARDIOMYOPATHY 8. Identifiers: MedGen C1843896, MONDO:0011831, OMIM 607450.

Submission:

Labcorp Genetics (formerly Invitae), Labcorp
Classification: Uncertain significance for Arrhythmogenic cardiomyopathy with wooly hair and keratoderma; Arrhythmogenic right ventricular dysplasia 8. Last evaluated: 2021-10-18. Review status: criteria provided, single submitter. Criteria: Invitae Variant Classification Sherloc (09022015). Collection method: clinical testing. Allele origin: germline.
Comment: In summary, the available evidence is currently insufficient to determine the role of this variant in disease. Therefore, it has been classified as a Variant of Uncertain Significance. Algorithms developed to predict the effect of missense changes on protein structure and function are either unavailable or do not agree on the potential impact of this missense change (SIFT: "Tolerated"; PolyPhen-2: "Probably Damaging"; Align-GVGD: "Class C0"). This variant has not been reported in the literature in individuals affected with DSP-related conditions. This variant is not present in population databases (ExAC no frequency). This sequence change replaces glutamine with proline at codon 1788 of the DSP protein (p.Gln1788Pro). The glutamine residue is highly conserved and there is a moderate physicochemical difference between glutamine and proline.